The following is an entry in ClinVar:

NM_000443.4(ABCB4):c.832A>G (p.Arg278Gly)

Gene: ABCB4 (ATP binding cassette subfamily B member 4; minus strand). Cytogenetic location: 7q21.12.
Variant type: single nucleotide variant.
Coding change: c.832A>G on transcript NM_000443.4 (MANE Select); coding-DNA position 832, A replaced by G.
Protein change: p.Arg278Gly; replaces arginine 278 with glycine.
Molecular consequence: missense variant.
Genome position (GRCh38, 1-based): chr7:87,449,969, T>C on the plus strand (A>G on the coding strand, the complement: ABCB4 is on the minus strand). VCF-style: chr7-87449969-T-C. GRCh37 (hg19) VCF-style: chr7-87079285-T-C.
Other names: c.832A>G, p.Arg278Gly (NM_018849.3, NM_018850.3); short protein forms R278G.
Identifiers: ClinVar variation 4846601 (VCV004846601.1).

ClinVar aggregate classification (germline): Uncertain significance (1 of 4 stars; one submission).

Conditions:
Low phospholipid associated cholelithiasis (GBD1). Also called: Gallbladder disease 1; Gallstone cholecystitis. Identifiers: Orphanet 69663, MedGen C2609268, MONDO:0010939, OMIM 600803.

Submission:

Genomenon, Inc
Classification: Uncertain significance for Low phospholipid associated cholelithiasis. Last evaluated: 2026-04-14. Review status: criteria provided, single submitter. Criteria: Genomenon Sequence Variant Interpretation Standards - Updated. Collection method: curation. Allele origin: germline. Affected: yes.
Comment: ABCB4 p.Arg278Gly (c.832A>G) is a missense variant that changes the amino acid at residue 278 from Arginine to Glycine. This variant has been observed in at least one proband with an ABCB4-related disorder (PMID:30449124). It is absent or not present at a significant frequency in gnomAD. In silico models predict that this variant is possibly or probably damaging. In conclusion, we classify ABCB4 p.Arg278Gly (c.832A>G) as a variant of uncertain significance.

Literature cited by the submitters: PubMed 30449124.